The following is an entry in ClinVar:

ClinVar aggregate classification (germline): Uncertain significance (1 of 4 stars; one submission).

Conditions:
MYT1-related disorder. Also called: MYT1-related condition.

Submission:

PreventionGenetics, part of Exact Sciences
Classification: Uncertain significance for MYT1-related condition. Last evaluated: 2025-11-11. Review status: criteria provided, single submitter. Criteria: ACMG Guidelines, 2015. Collection method: clinical testing. Allele origin: germline.
Comment: The MYT1 c.56-2A>G variant is predicted to disrupt the AG splice acceptor site and interfere with normal splicing. This variant is predicted to impact splicing based on one splicing algorithm (SpliceAI, Jaganathan et al. 2019. PubMed ID: 30661751). To our knowledge, this variant has not been reported in the literature or in a large population database (gnomAD), indicating this variant is rare. At this time, the clinical significance of this variant is uncertain due to the absence of conclusive functional and genetic evidence.

NM_004535.3(MYT1):c.56-2A>G

Gene: MYT1 (myelin transcription factor 1; plus strand). Cytogenetic location: 20q13.33.
Variant type: single nucleotide variant.
Coding change: c.56-2A>G on transcript NM_004535.3 (MANE Select); the canonical splice acceptor site of the intron before coding-DNA position 56, A replaced by G.
Molecular consequence: splice acceptor variant.
Genome position (GRCh38, 1-based): chr20:64,199,890, A>G. VCF-style: chr20-64199890-A-G. GRCh37 (hg19) VCF-style: chr20-62831243-A-G.
Identifiers: ClinVar variation 4984622 (VCV004984622.1).